The following is an entry in ClinVar:

ClinVar aggregate classification (germline): Uncertain significance (1 of 4 stars; one submission).

Conditions:
Cardiovascular phenotype. Identifiers: MedGen CN230736.
Hereditary cancer-predisposing syndrome. Also called: Neoplastic Syndromes, Hereditary; Tumor predisposition; Hereditary neoplastic syndrome; Hereditary Cancer Syndrome. Identifiers: Orphanet 140162, MedGen C0027672, MeSH D009386, MONDO:0015356.

Submission:

Ambry Genetics
Classification: Uncertain significance for Cardiovascular phenotype; Hereditary cancer-predisposing syndrome. Last evaluated: 2026-08-04. Review status: criteria provided, single submitter. Criteria: Ambry Variant Classification Scheme 2023. Collection method: clinical testing. Allele origin: germline.
Comment: The p.M895T variant (also known as c.2684T>C), located in coding exon 21 of the NF1 gene, results from a T to C substitution at nucleotide position 2684. The methionine at codon 895 is replaced by threonine, an amino acid with similar properties. This amino acid position is conserved. In addition, the in silico prediction for this alteration is inconclusive. Based on the available evidence, the clinical significance of this variant remains unclear.

NM_001042492.3(NF1):c.2684T>C (p.Met895Thr)

Gene: NF1 (neurofibromin 1; plus strand). Cytogenetic location: 17q11.2.
Variant type: single nucleotide variant.
Coding change: c.2684T>C on transcript NM_001042492.3 (MANE Select); coding-DNA position 2684, T replaced by C.
Protein change: p.Met895Thr; replaces methionine 895 with threonine.
Molecular consequence: missense variant.
Genome position (GRCh38, 1-based): chr17:31,229,299, T>C. VCF-style: chr17-31229299-T-C. GRCh37 (hg19) VCF-style: chr17-29556317-T-C.
Other names: c.2684T>C, p.Met895Thr (NM_000267.4); short protein forms M895T.
Identifiers: ClinVar variation 5025611 (VCV005025611.1).
Genomic context (GRCh38, chr17:31,229,299, plus strand): 5'-GTTCTATGATTTCAGTGATGTCTTCAGAGGGAAACGCAGATACACCTGTCAGCAAATTTA[T>C]GGATCGGCTGTTGTCCTTAATGGTGTGTAACCATGAGAAAGTGGGACTTCAAATACGGAC-3'
Protein context (NP_001035957.1, residues 885-905): GNADTPVSKF[Met895Thr]DRLLSLMVCN